The following is an entry in ClinVar:

NM_004333.6(BRAF):c.2065A>G (p.Met689Val)

Gene: BRAF (B-Raf proto-oncogene, serine/threonine kinase; minus strand). Cytogenetic location: 7q34.
Variant type: single nucleotide variant.
Coding change: c.2065A>G on transcript NM_004333.6 (MANE Select); coding-DNA position 2065, A replaced by G.
Protein change: p.Met689Val; replaces methionine 689 with valine.
Molecular consequence: missense variant.
Genome position (GRCh38, 1-based): chr7:140,739,874, T>C on the plus strand (A>G on the coding strand, the complement: BRAF is on the minus strand). VCF-style: chr7-140739874-T-C. GRCh37 (hg19) VCF-style: chr7-140439674-T-C.
Other names: c.2065A>G, p.Met689Val (NM_001354609.2, NM_001378468.1, NM_001378474.1); c.2185A>G, p.Met729Val (NM_001374244.1, NM_001374258.1); c.2074A>G, p.Met692Val (NM_001378467.1); c.1999A>G, p.Met667Val (NM_001378469.1); c.1963A>G, p.Met655Val (NM_001378470.1); c.1954A>G, p.Met652Val (NM_001378471.1); c.1909A>G, p.Met637Val (NM_001378472.1, NM_001378473.1); c.1801A>G, p.Met601Val (NM_001378475.1); short protein forms M601V, M637V, M667V, M689V, M692V, M729V, M652V, M655V.
Identifiers: ClinVar variation 2098351 (VCV002098351.5), dbSNP rs1028549781, ClinGen allele CA168038098.

ClinVar aggregate classification (germline): Uncertain significance. Review status: criteria provided, multiple submitters, no conflicts (2 of 4 stars). 2 submissions from 2 submitters: Uncertain significance (2). Last evaluated 2025-11-27.

Conditions:
RASopathy. Also called: rasopathies; Noonan spectrum disorder. Identifiers: Orphanet 536391, MedGen C5555857, MONDO:0021060.
Cardiofaciocutaneous syndrome 1 (CFC1). Also called: BRAF-Related Cardiofaciocutaneous Syndrome; MAP2K1-Related Cardiofaciocutaneous Syndrome; KRAS-Related Cardiofaciocutaneous Syndrome; MAP2K2-Related Cardiofaciocutaneous Syndrome. Identifiers: Orphanet 1340, MedGen CN029449, MONDO:0007265, OMIM 115150. Disease mechanism: gain of function.

Allele frequency attached by ClinVar (database versions not stated): gnomAD exomes below 0.00001; gnomAD 0.00001; TOPMed 0.00001.
gnomAD v4.1: 3 of 1,613,520 alleles (0.00019%); highest among the groups gnomAD compares: African/African-American, 0.0027%; no homozygotes.

Submissions (2):

Labcorp Genetics (formerly Invitae), Labcorp
Classification: Uncertain significance for RASopathy. Last evaluated: 2025-11-27. Review status: criteria provided, single submitter. Criteria: Invitae Variant Classification Sherloc (09022015). Collection method: clinical testing. Allele origin: germline.
Comment: This sequence change replaces methionine, which is neutral and non-polar, with valine, which is neutral and non-polar, at codon 689 of the BRAF protein (p.Met689Val). This variant is present in population databases (no rsID available, gnomAD 0.01%). This variant has not been reported in the literature in individuals affected with BRAF-related conditions. ClinVar contains an entry for this variant (Variation ID: 2098351). Invitae Evidence Modeling of protein sequence and biophysical properties (such as structural, functional, and spatial information, amino acid conservation, physicochemical variation, residue mobility, and thermodynamic stability) indicates that this missense variant is not expected to disrupt BRAF protein function with a negative predictive value of 80%. In summary, the available evidence is currently insufficient to determine the role of this variant in disease. Therefore, it has been classified as a Variant of Uncertain Significance.

Clinical Genomics Laboratory, Washington University in St. Louis
Classification: Uncertain significance for Cardiofaciocutaneous syndrome 1. Last evaluated: 2024-06-01. Review status: criteria provided, single submitter. Criteria: ACMG Guidelines, 2015. Collection method: clinical testing. Allele origin: germline.
Comment: A BRAF c.2065A>G (p.Met689Val) variant was identified at a heterozygous allelic fraction, a frequency which may be consistent with it being of germline origin. This variant is observed on 3/1,613,520 alleles in the general population (gnomAD v.4.1.0). It has been reported in the ClinVar database as a germline variant of uncertain significance by one submitter (ClinVar ID: 2098351). Computational predictors are uncertain as to the impact of this variant on BRAF function. The BRAF gene is defined by the ClinGen's RASopathy expert panel as a gene that has a low rate of benign missense variation and where pathogenic missense variants are a common mechanism of disease (Gelb BD et al., PMID: 29493581). Due to limited information and based on ACMG/AMP guidelines for variant interpretation (Richards S et al., PMID: 25741868) and gene-specific practices from the ClinGen Criteria Specification Registry (Gelb BD et al., PMID: 29493581), the clinical significance of this variant is uncertain at this time.